The following is an entry in ClinVar:

NC_012920.1(MT-ND1):m.3928G>C

Gene: MT-ND1 (mitochondrially encoded NADH dehydrogenase 1; plus strand).
Variant type: single nucleotide variant.
Genome position: chrM-3928-G-C.
Identifiers: ClinVar variation 155891 (VCV000155891.3), dbSNP rs587776442, ClinGen allele CA345920.

ClinVar aggregate classification (germline): Uncertain significance. Review status: criteria provided, single submitter (1 of 4 stars). 2 submissions from 2 submitters: Uncertain significance (1). 1 of the submissions does not count toward it. Last evaluated 2019-10-17.

Conditions:
Leigh syndrome (NULS). Also called: Leigh's syndrome; Leigh Syndrome (mtDNA deletion); Leigh Disease; Subacute necrotizing encephalopathy; Necrotizing encephalopathy infantile subacute of Leigh; LEIGH SYNDROME, NUCLEAR. Identifiers: Orphanet 506, MedGen C2931891, MONDO:0009723, OMIM 256000.

Submissions (2):

Wong Mito Lab, Molecular and Human Genetics, Baylor College of Medicine
Classification: Uncertain significance for Leigh syndrome. Last evaluated: 2019-10-17. Review status: criteria provided, single submitter. Criteria: Modified ACMG Guidelines (Unpublished). Collection method: clinical testing. Allele origin: germline.
Comment: The NC_012920.1:m.3928G>C (YP_003024026.1:p.Val208Leu) variant in MTND1 gene is interpretated to be a Uncertain Significance variant based on the modified ACMG guidelines (unpublished). This variant meets the following evidence codes: PM2, PM9, PP4

GeneReviews
No classification provided. Condition: Leigh syndrome. Review status: no classification provided. Collection method: literature only. Allele origin: germline. Affected: yes. Not counted in ClinVar's aggregate classification.

Literature cited by the submitters: PubMed 24063851 (cited by GeneReviews).